The following is an entry in ClinVar:

ClinVar aggregate classification (germline): Conflicting classifications of pathogenicity. Review status: criteria provided, conflicting classifications (1 of 4 stars). 4 submissions from 4 submitters: Uncertain significance (3); Likely benign (1). Last evaluated 2025-10-27.

Conditions:
Catecholaminergic polymorphic ventricular tachycardia (CVPT). Also called: Catecholamine-induced polymorphic ventricular tachycardia. Identifiers: Orphanet 3286, MedGen C5574922, MONDO:0017990.
Catecholaminergic polymorphic ventricular tachycardia 1. Also called: VENTRICULAR TACHYCARDIA, CATECHOLAMINERGIC POLYMORPHIC, 1, WITH OR WITHOUT ATRIAL DYSFUNCTION AND/OR DILATED CARDIOMYOPATHY; VENTRICULAR TACHYCARDIA, STRESS-INDUCED POLYMORPHIC 1; RYR2-Related Catecholaminergic Polymorphic Ventricular Tachycardia. Identifiers: Orphanet 3286, MedGen C1631597, MONDO:0011484, OMIM 604772.
Cardiomyopathy (CMYO). Also called: Cardiomyopathies. Identifiers: Orphanet 167848, MedGen C0878544, MONDO:0004994, HP:0001638. Inheritance: Various modes of inheritance.

Allele frequency attached by ClinVar (database versions not stated): TOPMed 0.00005.
gnomAD v4.1: 52 of 1,614,000 alleles (0.0032%); highest among the groups gnomAD compares: East Asian, 0.016%; no homozygotes.

Submissions (4):

Labcorp Genetics (formerly Invitae), Labcorp
Classification: Likely benign for Catecholaminergic polymorphic ventricular tachycardia 1. Last evaluated: 2025-10-27. Review status: criteria provided, single submitter. Criteria: Invitae Variant Classification Sherloc (09022015). Collection method: clinical testing. Allele origin: germline.

Color Diagnostics, LLC DBA Color Health
Classification: Uncertain significance for Cardiomyopathy. Last evaluated: 2024-03-06. Review status: criteria provided, single submitter. Criteria: ACMG Guidelines, 2015. Collection method: clinical testing. Allele origin: germline.
Comment: This missense variant replaces valine with isoleucine at codon 1664 of the RYR2 protein. Computational prediction suggests that this variant may not impact protein structure and function (internally defined REVEL score threshold <= 0.5, PMID: 27666373). To our knowledge, functional studies have not been reported for this variant. This variant has not been reported in individuals affected with cardiovascular disorders in the literature. This variant has been identified in 10/248998 chromosomes in the general population by the Genome Aggregation Database (gnomAD). The available evidence is insufficient to determine the role of this variant in disease conclusively. Therefore, this variant is classified as a Variant of Uncertain Significance.

All of Us Research Program, National Institutes of Health
Classification: Uncertain significance for Catecholaminergic polymorphic ventricular tachycardia. Last evaluated: 2024-03-05. Review status: criteria provided, single submitter. Criteria: ACMG Guidelines, 2015. Collection method: clinical testing. Allele origin: germline. Inheritance: Autosomal dominant inheritance. Observed: 2 variant alleles, 2 heterozygotes.
Comment: This missense variant replaces valine with isoleucine at codon 1664 of the RYR2 protein. Computational prediction suggests that this variant may not impact protein structure and function (internally defined REVEL score threshold <= 0.5, PMID: 27666373). To our knowledge, functional studies have not been reported for this variant. This variant has not been reported in individuals affected with cardiovascular disorders in the literature. This variant has been identified in 10/248998 chromosomes in the general population by the Genome Aggregation Database (gnomAD). The available evidence is insufficient to determine the role of this variant in disease conclusively. Therefore, this variant is classified as a Variant of Uncertain Significance.

This study involves interpretation of variants in research participants for the purpose of population health screening. Participant phenotype was not available at the time of variant classification. Additional details can be found in publication PMID: 35346344, PMCID: PMC8962531

GeneDx
Classification: Uncertain significance. Last evaluated: 2022-09-20. Review status: criteria provided, single submitter. Criteria: GeneDx Variant Classification Process June 2021. Collection method: clinical testing. Allele origin: germline. Affected: yes.
Comment: Has not been previously published as pathogenic or benign to our knowledge; In silico analysis supports that this missense variant does not alter protein structure/function; Not located in one of the three hot-spot regions of the RYR2 gene, where the majority of pathogenic missense variants occur (Medeiros-Domingo et al., 2009); This variant is associated with the following publications: (PMID: 19926015)

NM_001035.3(RYR2):c.4990G>A (p.Val1664Ile)

Gene: RYR2 (ryanodine receptor 2; plus strand). Cytogenetic location: 1q43.
Variant type: single nucleotide variant.
Coding change: c.4990G>A on transcript NM_001035.3 (MANE Select); coding-DNA position 4990, G replaced by A.
Protein change: p.Val1664Ile; replaces valine 1664 with isoleucine.
Molecular consequence: missense variant.
Genome position (GRCh38, 1-based): chr1:237,614,118, G>A. VCF-style: chr1-237614118-G-A. GRCh37 (hg19) VCF-style: chr1-237777418-G-A.
Other names: short protein forms V1664I.
Identifiers: ClinVar variation 841804 (VCV000841804.19), dbSNP rs749434532, ClinGen allele CA073656.